The following is an entry in ClinVar:

ClinVar aggregate classification (germline): Uncertain significance (1 of 4 stars; one submission).

Conditions:
Spinocerebellar ataxia type 19/22 (SCA19). Also called: SPINOCEREBELLAR ATAXIA 22; SPINOCEREBELLAR ATAXIA 19. Identifiers: Orphanet 98772, MedGen C1846367, MONDO:0011819, OMIM 607346.

Allele frequency attached by ClinVar (database versions not stated): gnomAD exomes below 0.00001; TOPMed below 0.00001.

Submission:

Labcorp Genetics (formerly Invitae), Labcorp
Classification: Uncertain significance for Spinocerebellar ataxia type 19/22. Last evaluated: 2022-07-25. Review status: criteria provided, single submitter. Criteria: Invitae Variant Classification Sherloc (09022015). Collection method: clinical testing. Allele origin: germline.
Comment: In summary, the available evidence is currently insufficient to determine the role of this variant in disease. Therefore, it has been classified as a Variant of Uncertain Significance. Algorithms developed to predict the effect of missense changes on protein structure and function are either unavailable or do not agree on the potential impact of this missense change (SIFT: "Deleterious"; PolyPhen-2: "Benign"; Align-GVGD: "Class C0"). ClinVar contains an entry for this variant (Variation ID: 1417852). This variant has not been reported in the literature in individuals affected with KCND3-related conditions. This variant is not present in population databases (gnomAD no frequency). This sequence change replaces methionine, which is neutral and non-polar, with isoleucine, which is neutral and non-polar, at codon 339 of the KCND3 protein (p.Met339Ile).

NM_001378969.1(KCND3):c.1017G>A (p.Met339Ile)

Gene: KCND3 (potassium voltage-gated channel subfamily D member 3; minus strand). Cytogenetic location: 1p13.2.
Variant type: single nucleotide variant.
Coding change: c.1017G>A on transcript NM_001378969.1 (MANE Select); coding-DNA position 1017, G replaced by A.
Protein change: p.Met339Ile; replaces methionine 339 with isoleucine.
Molecular consequence: missense variant.
Genome position (GRCh38, 1-based): chr1:111,981,710, C>T on the plus strand (G>A on the coding strand, the complement: KCND3 is on the minus strand). VCF-style: chr1-111981710-C-T. GRCh37 (hg19) VCF-style: chr1-112524332-C-T.
Other names: c.1017G>A, p.Met339Ile (NM_001378970.1, NM_004980.5, NM_172198.3); short protein forms M339I.
Identifiers: ClinVar variation 1417852 (VCV001417852.6), dbSNP rs965641511, ClinGen allele CA29326276.